The following is an entry in ClinVar:

ClinVar aggregate classification (germline): Uncertain significance. Review status: criteria provided, single submitter (1 of 4 stars). 2 submissions from 2 submitters: Uncertain significance (1). 1 of the submissions does not count toward it. Last evaluated 2021-08-24.

Conditions:
Familial dysautonomia. Also called: HSAN III; FD. Identifiers: Orphanet 1764, MedGen C0013364, MONDO:0009131, OMIM 223900. Disease mechanism: loss of function.

Allele frequency attached by ClinVar (database versions not stated): gnomAD exomes below 0.00001.
gnomAD v4.1: 2 of 1,614,112 alleles (0.00012%); highest among the groups gnomAD compares: Non-Finnish European, 0.00017%; no homozygotes.

Submissions (2):

Labcorp Genetics (formerly Invitae), Labcorp
Classification: Uncertain significance. Last evaluated: 2021-08-24. Review status: criteria provided, single submitter. Criteria: Invitae Variant Classification Sherloc (09022015). Collection method: clinical testing. Allele origin: germline.
Comment: This sequence change replaces leucine with phenylalanine at codon 6 of the ELP1 protein (p.Leu6Phe). The leucine residue is moderately conserved and there is a small physicochemical difference between leucine and phenylalanine. This variant is not present in population databases (ExAC no frequency). This variant has not been reported in the literature in individuals affected with ELP1-related conditions. Algorithms developed to predict the effect of missense changes on protein structure and function are either unavailable or do not agree on the potential impact of this missense change (SIFT: "Deleterious"; PolyPhen-2: "Probably Damaging"; Align-GVGD: "Class C0"). In summary, the available evidence is currently insufficient to determine the role of this variant in disease. Therefore, it has been classified as a Variant of Uncertain Significance.

Natera, Inc.
Classification: Uncertain significance for Familial dysautonomia. Last evaluated: 2018-09-10. Review status: no assertion criteria provided. Collection method: clinical testing. Allele origin: germline. Not counted in ClinVar's aggregate classification.

NM_003640.5(ELP1):c.18A>T (p.Leu6Phe)

Gene: ELP1 (elongator acetyltransferase complex subunit 1; minus strand). Cytogenetic location: 9q31.3.
Variant type: single nucleotide variant.
Coding change: c.18A>T on transcript NM_003640.5 (MANE Select); coding-DNA position 18, A replaced by T.
Protein change: p.Leu6Phe; replaces leucine 6 with phenylalanine.
Molecular consequence: missense variant. On other transcripts: 5 prime UTR variant (1), intron variant (1).
Genome position (GRCh38, 1-based): chr9:108,931,129, T>A on the plus strand (A>T on the coding strand, the complement: ELP1 is on the minus strand). VCF-style: chr9-108931129-T-A. GRCh37 (hg19) VCF-style: chr9-111693409-T-A.
Other names: c.-842A>T (NM_001330749.2); c.-252-73A>T (NM_001318360.2); short protein forms L6F.
Identifiers: ClinVar variation 970312 (VCV000970312.7), dbSNP rs1829992932, ClinGen allele CA374395378.